The following is an entry in ClinVar:

ClinVar aggregate classification (germline): Uncertain significance (1 of 4 stars; one submission).

gnomAD v4.1: 1 of 1,078,640 alleles (0.000093%); highest among the groups gnomAD compares: East Asian, 0.008%; no homozygotes.

Submission:

Labcorp Genetics (formerly Invitae), Labcorp
Classification: Uncertain significance. Last evaluated: 2022-08-19. Review status: criteria provided, single submitter. Criteria: Invitae Variant Classification Sherloc (09022015). Collection method: clinical testing. Allele origin: germline.
Comment: The frequency data for this variant in the population databases is considered unreliable, as metrics indicate insufficient coverage at this position in the gnomAD database. In summary, the available evidence is currently insufficient to determine the role of this variant in disease. Therefore, it has been classified as a Variant of Uncertain Significance. Advanced modeling of protein sequence and biophysical properties (such as structural, functional, and spatial information, amino acid conservation, physicochemical variation, residue mobility, and thermodynamic stability) performed at Invitae indicates that this missense variant is not expected to disrupt CACNA1B protein function. This variant has not been reported in the literature in individuals affected with CACNA1B-related conditions. This sequence change replaces serine, which is neutral and polar, with phenylalanine, which is neutral and non-polar, at codon 923 of the CACNA1B protein (p.Ser923Phe).

NM_000718.4(CACNA1B):c.2768C>T (p.Ser923Phe)

Gene: CACNA1B (calcium voltage-gated channel subunit alpha1 B; plus strand). Cytogenetic location: 9q34.3.
Variant type: single nucleotide variant.
Coding change: c.2768C>T on transcript NM_000718.4 (MANE Select); coding-DNA position 2768, C replaced by T.
Protein change: p.Ser923Phe; replaces serine 923 with phenylalanine.
Molecular consequence: missense variant.
Genome position (GRCh38, 1-based): chr9:138,023,511, C>T. VCF-style: chr9-138023511-C-T. GRCh37 (hg19) VCF-style: chr9-140917963-C-T.
Other names: c.2768C>T, p.Ser923Phe (NM_001243812.2); short protein forms S923F.
Identifiers: ClinVar variation 2042707 (VCV002042707.2), dbSNP rs1328829106, ClinGen allele CA375810091.